The following is an entry in ClinVar:

ClinVar aggregate classification (germline): Uncertain significance (1 of 4 stars; one submission).

Conditions:
Encephalopathy, acute, infection-induced (herpes-specific), susceptibility to, 1. Also called: Herpes simplex encephalitis, susceptibility to, 1. Identifiers: Orphanet 1930, MedGen C2750180, MONDO:0024563, OMIM 610551.

Allele frequency attached by ClinVar (database versions not stated): gnomAD 0.00001; gnomAD exomes 0.00001; TOPMed 0.00001.
gnomAD v4.1: 16 of 1,449,404 alleles (0.0011%); highest among the groups gnomAD compares: Non-Finnish European, 0.0014%; no homozygotes.

Submission:

Labcorp Genetics (formerly Invitae), Labcorp
Classification: Uncertain significance for Encephalopathy, acute, infection-induced (herpes-specific), susceptibility to, 1. Last evaluated: 2020-10-08. Review status: criteria provided, single submitter. Criteria: Invitae Variant Classification Sherloc (09022015). Collection method: clinical testing. Allele origin: germline.
Comment: This sequence change replaces glutamine with histidine at codon 597 of the UNC93B1 protein (p.Gln597His). The glutamine residue is weakly conserved and there is a small physicochemical difference between glutamine and histidine. The frequency data for this variant in the population databases is considered unreliable, as metrics indicate insufficient coverage at this position in the ExAC database. This variant has not been reported in the literature in individuals with UNC93B1-related conditions. Experimental studies and prediction algorithms are not available or were not evaluated, and the functional significance of this variant is currently unknown. In summary, the available evidence is currently insufficient to determine the role of this variant in disease. Therefore, it has been classified as a Variant of Uncertain Significance.

NM_030930.4(UNC93B1):c.1791G>C (p.Gln597His)

Gene: UNC93B1 (unc-93B1 regulator of TLR signaling; minus strand). Cytogenetic location: 11q13.2.
Variant type: single nucleotide variant.
Coding change: c.1791G>C on transcript NM_030930.4 (MANE Select); coding-DNA position 1791, G replaced by C.
Protein change: p.Gln597His; replaces glutamine 597 with histidine.
Molecular consequence: missense variant.
Genome position (GRCh38, 1-based): chr11:67,991,549, C>G on the plus strand (G>C on the coding strand, the complement: UNC93B1 is on the minus strand). VCF-style: chr11-67991549-C-G. GRCh37 (hg19) VCF-style: chr11-67759020-C-G.
Other names: short protein forms Q597H.
Identifiers: ClinVar variation 1045613 (VCV001045613.5), dbSNP rs1245329512, ClinGen allele CA381566637.